The following is an entry in ClinVar:

NM_012452.3(TNFRSF13B):c.122A>G (p.Asp41Gly)

Gene: TNFRSF13B (TNF receptor superfamily member 13B; minus strand). Cytogenetic location: 17p11.2.
Variant type: single nucleotide variant.
Coding change: c.122A>G on transcript NM_012452.3 (MANE Select); coding-DNA position 122, A replaced by G.
Protein change: p.Asp41Gly; replaces aspartic acid 41 with glycine.
Molecular consequence: missense variant.
Genome position (GRCh38, 1-based): chr17:16,952,523, T>C on the plus strand (A>G on the coding strand, the complement: TNFRSF13B is on the minus strand). VCF-style: chr17-16952523-T-C. GRCh37 (hg19) VCF-style: chr17-16855837-T-C.
Other names: c.122A>G (NM_012452.2); short protein forms D41G.
Identifiers: ClinVar variation 1053198 (VCV001053198.6), dbSNP rs763197017, ClinGen allele CA8414107.

ClinVar aggregate classification (germline): Uncertain significance. Review status: criteria provided, multiple submitters, no conflicts (2 of 4 stars). 5 submissions from 5 submitters: Uncertain significance (5). Last evaluated 2026-04-16.

Conditions:
Immunodeficiency, common variable, 2 (CVID2). Also called: HYPOGAMMAGLOBULINEMIA DUE TO TACI DEFICIENCY; ANTIBODY DEFICIENCY DUE TO TACI DEFECT. Identifiers: Orphanet 1572, MedGen C3150354, MONDO:0009413, OMIM 240500.

Allele frequency attached by ClinVar (database versions not stated): gnomAD 0.00003; ExAC 0.00004; gnomAD exomes 0.00004 and 0.00007; TOPMed 0.00010.
gnomAD v4.1: 70 of 1,614,068 alleles (0.0043%); highest among the groups gnomAD compares: Admixed American, 0.03%; no homozygotes.

Submissions (5):

Women's Health and Genetics/Laboratory Corporation of America, LabCorp
Classification: Uncertain significance. Last evaluated: 2026-04-16. Review status: criteria provided, single submitter. Criteria: LabCorp Variant Classification Summary - May 2015. Collection method: clinical testing. Allele origin: germline.
Comment: Variant summary: TNFRSF13B c.122A>G (p.Asp41Gly) results in a non-conservative amino acid change in the encoded protein sequence. Algorithms developed to predict the effect of missense changes on protein structure and function all suggest that this variant is likely to be disruptive. The variant allele was found at a frequency of 6.8e-05 in 251400 control chromosomes (gnomAD). This frequency is not significantly higher than estimated for disease-causing variants in TNFRSF13B, allowing no conclusion about variant significance. c.122A>G has been observed in individual(s) affected with Common Variable Immunodeficiency Disorders or primary immunodeficiency (Pulvirenti_2016, Simon_2020). These reports do not provide unequivocal conclusions about association of the variant with common variable immunodeficiency 2. To our knowledge, no experimental evidence demonstrating an impact on protein function has been reported. The following publications have been ascertained in the context of this evaluation (PMID: 27123465, 32135276). ClinVar contains an entry for this variant (Variation ID: 1053198). Based on the evidence outlined above, the variant was classified as uncertain significance.

GeneDx
Classification: Uncertain significance. Last evaluated: 2024-04-21. Review status: criteria provided, single submitter. Criteria: GeneDx Variant Classification Process June 2021. Collection method: clinical testing. Allele origin: germline. Affected: yes.
Comment: Apparently de novo variant in a patient with a clinical suspicion of primary immunodeficiency in the published literature, but additional clinical information was not included (PMID: 32135276); In silico analysis supports that this missense variant has a deleterious effect on protein structure/function; This variant is associated with the following publications: (PMID: 27123465, 19494827, 32135276)

Blueprint Genetics
Classification: Uncertain significance. Last evaluated: 2024-03-05. Review status: criteria provided, single submitter. Criteria: ACMG Guidelines, 2015. Collection method: clinical testing. Allele origin: germline.

Laboratorio de Genetica e Diagnostico Molecular, Hospital Israelita Albert Einstein
Classification: Uncertain significance for Immunodeficiency, common variable, 2. Last evaluated: 2023-01-27. Review status: criteria provided, single submitter. Criteria: ACMG Guidelines, 2015. Collection method: clinical testing. Allele origin: germline. Affected: yes. Observed: 1 variant allele.
Comment: ACMG classification criteria: PM3 supporting, PP3 supporting

Labcorp Genetics (formerly Invitae), Labcorp
Classification: Uncertain significance for Immunodeficiency, common variable, 2. Last evaluated: 2022-03-13. Review status: criteria provided, single submitter. Criteria: Invitae Variant Classification Sherloc (09022015). Collection method: clinical testing. Allele origin: germline.
Comment: This sequence change replaces aspartic acid, which is acidic and polar, with glycine, which is neutral and non-polar, at codon 41 of the TNFRSF13B protein (p.Asp41Gly). This variant is present in population databases (rs763197017, gnomAD 0.06%). This missense change has been observed in individual(s) with TNFRSF13B-related conditions (PMID: 27123465, 32135276). ClinVar contains an entry for this variant (Variation ID: 1053198). Algorithms developed to predict the effect of missense changes on protein structure and function are either unavailable or do not agree on the potential impact of this missense change (SIFT: "Deleterious"; PolyPhen-2: "Probably Damaging"; Align-GVGD: "Class C0"). Algorithms developed to predict the effect of sequence changes on RNA splicing suggest that this variant may disrupt the consensus splice site. In summary, the available evidence is currently insufficient to determine the role of this variant in disease. Therefore, it has been classified as a Variant of Uncertain Significance.

Literature cited by the submitters: PubMed 27123465 (cited by Women's Health and Genetics/Laboratory Corporation of America, LabCorp and Labcorp Genetics (formerly Invitae), Labcorp); PubMed 32135276 (cited by Women's Health and Genetics/Laboratory Corporation of America, LabCorp and Labcorp Genetics (formerly Invitae), Labcorp).